The following is an entry in ClinVar:

ClinVar aggregate classification (germline): Likely benign. Review status: criteria provided, multiple submitters, no conflicts (2 of 4 stars). 5 submissions from 5 submitters: Likely benign (4). 1 of the submissions does not count toward it. Last evaluated 2025-10-25.

Conditions:
Cardiovascular phenotype. Identifiers: MedGen CN230736.
Myofibrillar myopathy 5. Also called: Filaminopathy (type); FILAMINOPATHY, AUTOSOMAL DOMINANT. Identifiers: Orphanet 171445, MedGen C1836050, MONDO:0012289, OMIM 609524.
Hypertrophic cardiomyopathy 26. Also called: Cardiomyopathy, familial hypertrophic, 26. Identifiers: Orphanet 75249, MedGen C4310749, MONDO:0014883, OMIM 617047.
Distal myopathy with posterior leg and anterior hand involvement. Also called: WILLIAMS DISTAL MYOPATHY. Identifiers: Orphanet 63273, MedGen C3279722, MONDO:0013550, OMIM 614065.
FLNC-related disorder. Also called: FLNC-related disorders; FLNC-related condition.

Allele frequency attached by ClinVar (database versions not stated): TOPMed below 0.00001; gnomAD 0.00001; gnomAD exomes 0.00001 and 0.00002; ExAC 0.00003.
gnomAD v4.1: 9 of 1,613,850 alleles (0.00056%); highest among the groups gnomAD compares: South Asian, 0.0022%; no homozygotes.

Submissions (5):

Ambry Genetics
Classification: Likely benign for Cardiovascular phenotype. Last evaluated: 2025-10-25. Review status: criteria provided, single submitter. Criteria: Ambry Variant Classification Scheme 2023. Collection method: clinical testing. Allele origin: germline.

Labcorp Genetics (formerly Invitae), Labcorp
Classification: Likely benign for Distal myopathy with posterior leg and anterior hand involvement; Myofibrillar myopathy 5; Hypertrophic cardiomyopathy 26. Last evaluated: 2025-10-23. Review status: criteria provided, single submitter. Criteria: Invitae Variant Classification Sherloc (09022015). Collection method: clinical testing. Allele origin: germline.

Women's Health and Genetics/Laboratory Corporation of America, LabCorp
Classification: Likely benign. Last evaluated: 2025-10-10. Review status: criteria provided, single submitter. Criteria: LabCorp Variant Classification Summary - May 2015. Collection method: clinical testing. Allele origin: germline.

Blueprint Genetics
Classification: Likely benign. Last evaluated: 2023-12-16. Review status: criteria provided, single submitter. Criteria: ACMG Guidelines, 2015. Collection method: clinical testing. Allele origin: germline.

PreventionGenetics, part of Exact Sciences
Classification: Likely benign for FLNC-related condition. Last evaluated: 2020-09-09. Review status: no assertion criteria provided. Collection method: clinical testing. Allele origin: germline. Not counted in ClinVar's aggregate classification.
Comment: This variant is classified as likely benign based on ACMG/AMP sequence variant interpretation guidelines (Richards et al. 2015 PMID: 25741868, with internal and published modifications).

NM_001458.5(FLNC):c.5370C>T (p.Pro1790=)

Genes: FLNC (filamin C; plus strand), FLNC-AS1 (FLNC antisense RNA 1; minus strand). Cytogenetic location: 7q32.1.
Variant type: single nucleotide variant.
Coding change: c.5370C>T on transcript NM_001458.5 (MANE Select); coding-DNA position 5370, C replaced by T.
Protein change: p.Pro1790=; no amino-acid change (proline 1790 retained).
Molecular consequence: synonymous variant.
Genome position (GRCh38, 1-based): chr7:128,850,455, C>T. VCF-style: chr7-128850455-C-T. GRCh37 (hg19) VCF-style: chr7-128490509-C-T.
Other names: c.5271C>T, p.Pro1757= (NM_001127487.2); c.5370C>T (NM_001458.4).
Identifiers: ClinVar variation 1644278 (VCV001644278.13), dbSNP rs766344715, ClinGen allele CA4475664.